The following is an entry in ClinVar:

ClinVar aggregate classification (germline): Likely pathogenic (1 of 4 stars; one submission).

Conditions:
Oligodontia-cancer predisposition syndrome. Also called: TOOTH AGENESIS-COLORECTAL CANCER SYNDROME. Identifiers: Orphanet 300576, MedGen C1837750, MONDO:0012075, OMIM 608615. Disease mechanism: loss of function.

Submission:

Greenwood Genetic Center Diagnostic Laboratories, Greenwood Genetic Center
Classification: Likely pathogenic for Oligodontia-cancer predisposition syndrome. Last evaluated: 2023-04-27. Review status: criteria provided, single submitter. Criteria: ACMG Guidelines, 2015. Collection method: clinical testing. Allele origin: germline. Affected: yes.
Comment: PVS1, PM2

NM_004655.4(AXIN2):c.2045dup (p.Asp682fs)

Gene: AXIN2 (axin 2; minus strand). Cytogenetic location: 17q24.1.
Variant type: Duplication.
Coding change: c.2045dup on transcript NM_004655.4 (MANE Select); coding-DNA position 2045, one base duplicated (A; older notation c.2045dupA).
Protein change: p.Asp682fs; shifts the reading frame from aspartic acid 682.
Molecular consequence: frameshift variant.
Genome position (GRCh38, 1-based): chr17:65,536,416, T duplicated on the plus strand (A on the coding strand, the reverse complement: AXIN2 is on the minus strand). VCF-style (leftmost placement, unchanged base first): chr17-65536415-G-GT. GRCh37 (hg19) VCF-style: chr17-63532533-G-GT.
Other names: c.1850dup, p.Asp617fs (NM_001363813.1); short protein forms D617fs, D682fs.
Identifiers: ClinVar variation 2572178 (VCV002572178.1), dbSNP rs2509401757, ClinGen allele CA2580613216.